The following is an entry in ClinVar:

ClinVar aggregate classification (germline): Uncertain significance (1 of 4 stars; one submission).

Conditions:
Nephronophthisis 15 (NPHP15). Identifiers: Orphanet 3156, MedGen C3541853, MONDO:0013917, OMIM 614845.

Allele frequency attached by ClinVar (database versions not stated): gnomAD exomes 0.00001 and 0.00002; ExAC 0.00005.
gnomAD v4.1: 15 of 1,596,760 alleles (0.00094%); highest among the groups gnomAD compares: South Asian, 0.014%; no homozygotes.

Submission:

Labcorp Genetics (formerly Invitae), Labcorp
Classification: Uncertain significance for Nephronophthisis 15. Last evaluated: 2020-02-10. Review status: criteria provided, single submitter. Criteria: Invitae Variant Classification Sherloc (09022015). Collection method: clinical testing. Allele origin: germline.
Comment: This sequence change replaces aspartic acid with glutamic acid at codon 1173 of the CEP164 protein (p.Asp1173Glu). The aspartic acid residue is highly conserved and there is a small physicochemical difference between aspartic acid and glutamic acid. In summary, the available evidence is currently insufficient to determine the role of this variant in disease. Therefore, it has been classified as a Variant of Uncertain Significance. Algorithms developed to predict the effect of missense changes on protein structure and function (SIFT, PolyPhen-2, Align-GVGD) all suggest that this variant is likely to be disruptive, but these predictions have not been confirmed by published functional studies and their clinical significance is uncertain. This variant has not been reported in the literature in individuals with CEP164-related conditions. This variant is present in population databases (rs746686807, ExAC 0.02%).

NM_014956.5(CEP164):c.3519T>A (p.Asp1173Glu)

Gene: CEP164 (centrosomal protein 164; plus strand). Cytogenetic location: 11q23.3.
Variant type: single nucleotide variant.
Coding change: c.3519T>A on transcript NM_014956.5 (MANE Select); coding-DNA position 3519, T replaced by A.
Protein change: p.Asp1173Glu; replaces aspartic acid 1173 with glutamic acid.
Molecular consequence: missense variant.
Genome position (GRCh38, 1-based): chr11:117,407,942, T>A. VCF-style: chr11-117407942-T-A. GRCh37 (hg19) VCF-style: chr11-117278658-T-A.
Other names: c.3528T>A, p.Asp1176Glu (NM_001271933.2); short protein forms D1176E, D1173E.
Identifiers: ClinVar variation 834179 (VCV000834179.9), dbSNP rs746686807, ClinGen allele CA6295494.